The following is an entry in ClinVar:

NM_006311.4(NCOR1):c.1352+8A>G

Gene: NCOR1 (nuclear receptor corepressor 1; minus strand). Cytogenetic location: 17p11.2.
Variant type: single nucleotide variant.
Coding change: c.1352+8A>G on transcript NM_006311.4 (MANE Select); 8 bases into the intron after coding-DNA position 1352, A replaced by G.
Molecular consequence: intron variant.
Genome position (GRCh38, 1-based): chr17:16,139,000, T>C on the plus strand (A>G on the coding strand, the complement: NCOR1 is on the minus strand). VCF-style: chr17-16139000-T-C. GRCh37 (hg19) VCF-style: chr17-16042314-T-C.
Other names: c.1352+8A>G (NM_001439115.1, NM_001439111.1, NM_001439116.1 and 2 more transcripts); c.1379+8A>G (NM_001439113.1, NM_001439112.1); c.1025+8A>G (NM_001190438.2).
Identifiers: ClinVar variation 789340 (VCV000789340.6), dbSNP rs116977554, ClinGen allele CA8409326.

ClinVar aggregate classification (germline): Benign. Review status: criteria provided, single submitter (1 of 4 stars). 2 submissions from 2 submitters: Benign (1). 1 of the submissions does not count toward it. Last evaluated 2019-12-31.

Conditions:
NCOR1-related disorder. Also called: NCOR1-related condition.

Allele frequency attached by ClinVar (database versions not stated): 1000 Genomes Project 30x 0.00094; 1000 Genomes Project 0.00120; gnomAD exomes 0.00398 and 0.00644; TOPMed 0.00402; gnomAD 0.00404 and 0.00437; ESP Exome Variant Server 0.00466; ExAC 0.00519.
gnomAD v4.1: 9,237 of 1,506,270 alleles (0.61%); highest among the groups gnomAD compares: Non-Finnish European, 0.76%; 40 homozygotes.

Submissions (2):

Labcorp Genetics (formerly Invitae), Labcorp
Classification: Benign. Last evaluated: 2019-12-31. Review status: criteria provided, single submitter. Criteria: Invitae Variant Classification Sherloc (09022015). Collection method: clinical testing. Allele origin: germline.

PreventionGenetics, part of Exact Sciences
Classification: Benign for NCOR1-related condition. Last evaluated: 2019-02-20. Review status: no assertion criteria provided. Collection method: clinical testing. Allele origin: germline. Not counted in ClinVar's aggregate classification.
Comment: This variant is classified as benign based on ACMG/AMP sequence variant interpretation guidelines (Richards et al. 2015 PMID: 25741868, with internal and published modifications).